The following is an entry in ClinVar:

ClinVar aggregate classification (germline): Uncertain significance (1 of 4 stars; one submission).

Conditions:
Inborn genetic diseases. Identifiers: MedGen C0950123, MeSH D030342.

gnomAD v4.1: 3 of 1,613,968 alleles (0.00019%); highest among the groups gnomAD compares: Admixed American, 0.005%; no homozygotes.

Submission:

Ambry Genetics
Classification: Uncertain significance for Inborn genetic diseases. Last evaluated: 2024-12-28. Review status: criteria provided, single submitter. Criteria: Ambry Variant Classification Scheme 2023. Collection method: clinical testing. Allele origin: germline.
Comment: The p.A980G variant (also known as c.2939C>G), located in coding exon 30 of the FANCA gene, results from a C to G substitution at nucleotide position 2939. The alanine at codon 980 is replaced by glycine, an amino acid with similar properties. This amino acid position is conserved. In addition, the in silico prediction for this alteration is inconclusive. Based on the available evidence, the clinical significance of this variant remains unclear.

NM_000135.4(FANCA):c.2939C>G (p.Ala980Gly)

Gene: FANCA (FA complementation group A; minus strand). Cytogenetic location: 16q24.3.
Variant type: single nucleotide variant.
Coding change: c.2939C>G on transcript NM_000135.4 (MANE Select); coding-DNA position 2939, C replaced by G.
Protein change: p.Ala980Gly; replaces alanine 980 with glycine.
Molecular consequence: missense variant.
Genome position (GRCh38, 1-based): chr16:89,758,619, G>C on the plus strand (C>G on the coding strand, the complement: FANCA is on the minus strand). VCF-style: chr16-89758619-G-C. GRCh37 (hg19) VCF-style: chr16-89825027-G-C.
Other names: c.2939C>G, p.Ala980Gly (NM_001286167.3); short protein forms A980G.
Identifiers: ClinVar variation 3848062 (VCV003848062.1).
Genomic context (GRCh38, chr16:89,758,619, plus strand): 5'-ACAGTGTGTGCTGCTAACCTTTGGTGGAAATCCATCAGTGCGTTGACAAGAATGGTACAC[G>C]CAGCCTGCAGGTCTCCGTCACAGCCCCCTGAAGCCGAGGACTCAGGGAGAAAGTGCTCAT-3'
Protein context (NP_000126.2, residues 970-990): SGGCDGDLQA[Ala980Gly]CTILVNALMD